The following is an entry in ClinVar:

ClinVar aggregate classification (germline): Uncertain significance (1 of 4 stars; one submission).

Conditions:
Early-infantile DEE. Also called: Early infantile epileptic encephalopathy; Early infantile epileptic encephalopathy with suppression bursts; Ohtahara syndrome. Identifiers: Orphanet 1934, MedGen C0393706, MONDO:0800491.

gnomAD v4.1: 4 of 1,612,558 alleles (0.00025%); highest among the groups gnomAD compares: South Asian, 0.0011%; no homozygotes.

Submission:

Labcorp Genetics (formerly Invitae), Labcorp
Classification: Uncertain significance for Early-infantile DEE. Last evaluated: 2024-06-23. Review status: criteria provided, single submitter. Criteria: Invitae Variant Classification Sherloc (09022015). Collection method: clinical testing. Allele origin: germline.
Comment: This sequence change replaces alanine, which is neutral and non-polar, with valine, which is neutral and non-polar, at codon 825 of the KCNQ2 protein (p.Ala825Val). This variant is not present in population databases (gnomAD no frequency). This missense change has been observed in individual(s) with developmental and epileptic encephalopathy (Invitae). An algorithm developed to predict the effect of missense changes on protein structure and function (PolyPhen-2) suggests that this variant is likely to be disruptive. In summary, the available evidence is currently insufficient to determine the role of this variant in disease. Therefore, it has been classified as a Variant of Uncertain Significance.

NM_172107.4(KCNQ2):c.2474C>T (p.Ala825Val)

Gene: KCNQ2 (potassium voltage-gated channel subfamily Q member 2; minus strand). Cytogenetic location: 20q13.33.
Variant type: single nucleotide variant.
Coding change: c.2474C>T on transcript NM_172107.4 (MANE Select); coding-DNA position 2474, C replaced by T.
Protein change: p.Ala825Val; replaces alanine 825 with valine.
Molecular consequence: missense variant.
Genome position (GRCh38, 1-based): chr20:63,406,789, G>A on the plus strand (C>T on the coding strand, the complement: KCNQ2 is on the minus strand). VCF-style: chr20-63406789-G-A. GRCh37 (hg19) VCF-style: chr20-62038142-G-A.
Other names: c.2420C>T, p.Ala807Val (NM_172106.3); c.2381C>T, p.Ala794Val (NM_172108.5); c.2528C>T, p.Ala843Val (NM_001382235.1); c.2390C>T, p.Ala797Val (NM_004518.6); short protein forms A794V, A797V, A843V, A807V, A825V.
Identifiers: ClinVar variation 3707751 (VCV003707751.2).